The following is an entry in ClinVar:

NM_170707.4(LMNA):c.1640T>C (p.Val547Ala)

Gene: LMNA (lamin A/C; plus strand). Cytogenetic location: 1q22.
Variant type: single nucleotide variant.
Coding change: c.1640T>C on transcript NM_170707.4 (MANE Select); coding-DNA position 1640, T replaced by C.
Protein change: p.Val547Ala; replaces valine 547 with alanine.
Molecular consequence: missense variant. On other transcripts: intron variant (1).
Genome position (GRCh38, 1-based): chr1:156,137,685, T>C. VCF-style: chr1-156137685-T-C. GRCh37 (hg19) VCF-style: chr1-156107476-T-C.
Other names: c.1304T>C, p.Val435Ala (NM_001257374.3); c.1397T>C, p.Val466Ala (NM_001282624.2); c.1640T>C, p.Val547Ala (NM_001282625.2, NM_001282626.2, NM_005572.4); c.1608+453T>C (NM_170708.4); short protein forms V466A, V435A, V547A.
Identifiers: ClinVar variation 946694 (VCV000946694.9), dbSNP rs1651784382, ClinGen allele CA342825477.

ClinVar aggregate classification (germline): Uncertain significance (1 of 4 stars; one submission).

Conditions:
Charcot-Marie-Tooth disease type 2. Also called: Charcot-Marie-Tooth type 2. Identifiers: Orphanet 64746, MedGen C0270914, MONDO:0018993.

Submission:

Labcorp Genetics (formerly Invitae), Labcorp
Classification: Uncertain significance for Charcot-Marie-Tooth disease type 2. Last evaluated: 2022-03-23. Review status: criteria provided, single submitter. Criteria: Invitae Variant Classification Sherloc (09022015). Collection method: clinical testing. Allele origin: germline.
Comment: Algorithms developed to predict the effect of missense changes on protein structure and function are either unavailable or do not agree on the potential impact of this missense change (SIFT: "Deleterious"; PolyPhen-2: "Benign"; Align-GVGD: "Class C25"). In summary, the available evidence is currently insufficient to determine the role of this variant in disease. Therefore, it has been classified as a Variant of Uncertain Significance. This sequence change replaces valine, which is neutral and non-polar, with alanine, which is neutral and non-polar, at codon 547 of the LMNA protein (p.Val547Ala). This variant is not present in population databases (gnomAD no frequency). This variant has not been reported in the literature in individuals affected with LMNA-related conditions. ClinVar contains an entry for this variant (Variation ID: 946694).